The following is an entry in ClinVar:

NM_006186.4(NR4A2):c.319C>T (p.Pro107Ser)

Gene: NR4A2 (nuclear receptor subfamily 4 group A member 2; minus strand). Cytogenetic location: 2q24.1.
Variant type: single nucleotide variant.
Coding change: c.319C>T on transcript NM_006186.4 (MANE Select); coding-DNA position 319, C replaced by T.
Protein change: p.Pro107Ser; replaces proline 107 with serine.
Molecular consequence: missense variant.
Genome position (GRCh38, 1-based): chr2:156,329,868, G>A on the plus strand (C>T on the coding strand, the complement: NR4A2 is on the minus strand). VCF-style: chr2-156329868-G-A. GRCh37 (hg19) VCF-style: chr2-157186380-G-A.
Other names: c.130C>T, p.Pro44Ser (NM_173173.3); short protein forms P107S, P44S.
Identifiers: ClinVar variation 3364487 (VCV003364487.1).

ClinVar aggregate classification (germline): Uncertain significance (1 of 4 stars; one submission).

gnomAD v4.1: 2 of 1,614,168 alleles (0.00012%); highest among the groups gnomAD compares: Admixed American, 0.0017%; no homozygotes.

Submission:

GeneDx
Classification: Uncertain significance. Last evaluated: 2023-11-18. Review status: criteria provided, single submitter. Criteria: GeneDx Variant Classification Process June 2021. Collection method: clinical testing. Allele origin: germline. Affected: yes.
Comment: In silico analysis supports that this missense variant has a deleterious effect on protein structure/function; Has not been previously published as pathogenic or benign to our knowledge